The following is an entry in ClinVar:

NM_003664.5(AP3B1):c.2810-4C>T

Gene: AP3B1 (adaptor related protein complex 3 subunit beta 1; minus strand). Cytogenetic location: 5q14.1.
Variant type: single nucleotide variant.
Coding change: c.2810-4C>T on transcript NM_003664.5 (MANE Select); 4 bases into the intron before coding-DNA position 2810, C replaced by T.
Molecular consequence: intron variant.
Genome position (GRCh38, 1-based): chr5:78,034,449, G>A on the plus strand (C>T on the coding strand, the complement: AP3B1 is on the minus strand). VCF-style: chr5-78034449-G-A. GRCh37 (hg19) VCF-style: chr5-77330273-G-A.
Other names: p.?; c.2663-4C>T (NM_001271769.2).
Identifiers: ClinVar variation 354224 (VCV000354224.20), dbSNP rs115340604, ClinGen allele CA3316659.

ClinVar aggregate classification (germline): Benign/Likely benign. Review status: criteria provided, multiple submitters, no conflicts (2 of 4 stars). 5 submissions from 5 submitters: Benign (4); Likely benign (1). Last evaluated 2026-01-26.

Conditions:
Autoinflammatory syndrome. Identifiers: Orphanet 93665, MedGen C3890737, MONDO:0019751.
Hermansky-Pudlak syndrome 2 (HPS2). Also called: Platelet defects and oculocutaneous albinism. Identifiers: Orphanet 183678, Orphanet 79430, MedGen C1842362, MONDO:0011997, OMIM 608233.

Allele frequency attached by ClinVar (database versions not stated): gnomAD exomes 0.00088 and 0.00251; ExAC 0.00312; 1000 Genomes Project 0.00938; gnomAD 0.00946 and 0.01015; ESP Exome Variant Server 0.01054; TOPMed 0.01102; 1000 Genomes Project 30x 0.01046.
gnomAD v4.1: 2,758 of 1,601,282 alleles (0.17%); highest among the groups gnomAD compares: African/African-American, 3.3%; 36 homozygotes.

Submissions (5):

Labcorp Genetics (formerly Invitae), Labcorp
Classification: Benign for Hermansky-Pudlak syndrome 2. Last evaluated: 2026-01-26. Review status: criteria provided, single submitter. Criteria: Invitae Variant Classification Sherloc (09022015). Collection method: clinical testing. Allele origin: germline.

Mayo Clinic Laboratories, Mayo Clinic
Classification: Benign. Last evaluated: 2023-12-07. Review status: criteria provided, single submitter. Criteria: ACMG Guidelines, 2015. Collection method: clinical testing. Allele origin: germline. Observed: 24 variant alleles.
Comment: BS1, BS2, BP4, BP7

Genome Diagnostics Laboratory, The Hospital for Sick Children
Classification: Benign for Autoinflammatory syndrome. Last evaluated: 2022-02-23. Review status: criteria provided, single submitter. Criteria: ACMG Guidelines, 2015. Collection method: clinical testing. Allele origin: germline. Affected: yes.

GeneDx
Classification: Likely benign. Last evaluated: 2020-11-24. Review status: criteria provided, single submitter. Criteria: GeneDx Variant Classification Process June 2021. Collection method: clinical testing. Allele origin: germline. Affected: yes.
Comment: See Variant Classification Assertion Criteria.

Illumina Laboratory Services, Illumina
Classification: Benign for Hermansky-Pudlak syndrome 2. Last evaluated: 2018-01-13. Review status: criteria provided, single submitter. Criteria: ICSL Variant Classification Criteria 13 December 2019. Collection method: clinical testing. Allele origin: germline.
Comment: This variant was observed in the ICSL laboratory as part of a predisposition screen in an ostensibly healthy population. It had not been previously curated by ICSL or reported in the Human Gene Mutation Database (HGMD: prior to June 1st, 2018), and was therefore a candidate for classification through an automated scoring system. Utilizing variant allele frequency, disease prevalence and penetrance estimates, and inheritance mode, an automated score was calculated to assess if this variant is too frequent to cause the disease. Based on the score and internal cut-off values, a variant classified as benign is not then subjected to further curation. The score for this variant resulted in a classification of benign for this disease.